The following is an entry in ClinVar:

ClinVar aggregate classification (germline): Pathogenic. Review status: criteria provided, multiple submitters, no conflicts (2 of 4 stars). 2 submissions from 2 submitters: Pathogenic (2). Last evaluated 2024-10-15.

Conditions:
Neuronal ceroid lipofuscinosis 2. Also called: TPP1-Related Neuronal Ceroid-Lipofuscinosis; JANSKY-BIELSCHOWSKY DISEASE NEURONAL CEROID LIPOFUSCINOSIS, LATE INFANTILE. Identifiers: Orphanet 168491, Orphanet 228349, Orphanet 79264, MedGen C1876161, MONDO:0008769, OMIM 204500.

Allele frequency attached by ClinVar (database versions not stated): gnomAD exomes below 0.00001 and 0.00001.

Submissions (2):

Natera, Inc.
Classification: Pathogenic for Neuronal ceroid lipofuscinosis 2. Last evaluated: 2024-10-15. Review status: criteria provided, single submitter. Criteria: Natera Variant Classification Schema (03/2026). Collection method: clinical testing. Allele origin: germline.
Comment: The c.376_380+6del variant in TPP1 is a frameshift variant predicted to shift the reading frame and introduce a stop codon. This variant is expected to result in nonsense mediated decay, truncation, or a dysfunctional protein product. This variant is rare in the general population with a frequency below the threshold expected for the associated phenotype(s). This variant has been observed in one or more individuals affected with the associated recessive disease, as either homozygous or compound heterozygous with a second variant (PMID: 10330339). Given the available evidence, this variant is classified as Pathogenic.

Labcorp Genetics (formerly Invitae), Labcorp
Classification: Pathogenic. Last evaluated: 2023-04-04. Review status: criteria provided, single submitter. Criteria: Invitae Variant Classification Sherloc (09022015). Collection method: clinical testing. Allele origin: germline.
Comment: This variant results in the deletion of part of exon 4 (c.376_380+6del) of the TPP1 gene. It is expected to disrupt RNA splicing. Variants that disrupt the donor or acceptor splice site typically lead to a loss of protein function (PMID: 16199547), and loss-of-function variants in TPP1 are known to be pathogenic (PMID: 10330339). This variant is present in population databases (no rsID available, gnomAD 0.0009%). This variant has been observed in individuals with neuronal ceroid lipofuscinosis (PMID: 10330339). This variant is also known as 3081-3091del. ClinVar contains an entry for this variant (Variation ID: 961500). Algorithms developed to predict the effect of sequence changes on RNA splicing suggest that this variant may disrupt the consensus splice site. For these reasons, this variant has been classified as Pathogenic.

Literature cited by the submitters: PubMed 10330339 (cited by Natera, Inc. and Labcorp Genetics (formerly Invitae), Labcorp); PubMed 16199547 (cited by Labcorp Genetics (formerly Invitae), Labcorp).

NM_000391.4(TPP1):c.376_380+6del

Gene: TPP1 (tripeptidyl peptidase 1; minus strand). Cytogenetic location: 11p15.4.
Variant type: Deletion.
Coding change: c.376_380+6del on transcript NM_000391.4 (MANE Select); coding-DNA position 376 through 6 bases into the intron after coding-DNA position 380, 11 bases deleted (ATCCGGTGAGA).
Molecular consequence: splice donor variant.
Genome position (GRCh38, 1-based): chr11:6,617,620-6,617,630, TCTCACCGGAT deleted on the plus strand (ATCCGGTGAGA on the coding strand, the reverse complement: TPP1 is on the minus strand). VCF-style (leftmost placement, unchanged base first): chr11-6617619-CTCTCACCGGAT-C. GRCh37 (hg19) VCF-style: chr11-6638850-CTCTCACCGGAT-C.
Identifiers: ClinVar variation 961500 (VCV000961500.8), dbSNP rs1414255979, ClinGen allele CA597439687.
Genomic context (GRCh38, chr11:6,617,619, plus strand): 5'-ACTCCCTCCCATCCATCTCACTGATGGGATGACTGGTGCCCTCCATGGAGCAATCATTTC[CTCTCACCGGAT>C]GCTCAGCCAGCAAGTCAGAAAGTCCTGTGTGATCACAGAATGGCACTTCTGGGCTCCGGC-3'